The following is an entry in ClinVar:

NM_003036.4(SKI):c.875C>T (p.Thr292Met)

Gene: SKI (SKI proto-oncogene; plus strand). Cytogenetic location: 1p36.33.
Variant type: single nucleotide variant.
Coding change: c.875C>T on transcript NM_003036.4 (MANE Select); coding-DNA position 875, C replaced by T.
Protein change: p.Thr292Met; replaces threonine 292 with methionine.
Molecular consequence: missense variant.
Genome position (GRCh38, 1-based): chr1:2,229,641, C>T. VCF-style: chr1-2229641-C-T. GRCh37 (hg19) VCF-style: chr1-2161080-C-T.
Other names: short protein forms T292M.
Identifiers: ClinVar variation 3223075 (VCV003223075.11), dbSNP rs530491488, ClinGen allele CA536474.

ClinVar aggregate classification (germline): Uncertain significance. Review status: criteria provided, multiple submitters, no conflicts (2 of 4 stars). 2 submissions from 2 submitters: Uncertain significance (2). Last evaluated 2025-05-01.

Conditions:
Familial thoracic aortic aneurysm and aortic dissection (TAAD). Also called: Thoracic aortic aneurysms and dissections. Identifiers: Orphanet 91387, MedGen C4707243, MONDO:0019625.

Allele frequency attached by ClinVar (database versions not stated): TOPMed below 0.00001.
gnomAD v4.1: 11 of 1,612,142 alleles (0.00068%); highest among the groups gnomAD compares: Non-Finnish European, 0.00076%; no homozygotes.

Submissions (2):

CeGaT Center for Human Genetics Tuebingen
Classification: Uncertain significance. Last evaluated: 2025-05-01. Review status: criteria provided, single submitter. Criteria: CeGaT Center For Human Genetics Tuebingen Variant Classification Criteria Version 2. Collection method: clinical testing. Allele origin: germline. Affected: yes. Observed: 1 variant allele.
Comment: SKI: PP3

Ambry Genetics
Classification: Uncertain significance for Familial thoracic aortic aneurysm and aortic dissection. Last evaluated: 2024-02-16. Review status: criteria provided, single submitter. Criteria: Ambry Variant Classification Scheme 2023. Collection method: clinical testing. Allele origin: germline.
Comment: The p.T292M variant (also known as c.875C>T), located in coding exon 1 of the SKI gene, results from a C to T substitution at nucleotide position 875. The threonine at codon 292 is replaced by methionine, an amino acid with similar properties. This amino acid position is conserved. In addition, this alteration is predicted to be tolerated by in silico analysis. Based on the available evidence, the clinical significance of this alteration remains unclear.